The following is an entry in ClinVar:

ClinVar aggregate classification (germline): Conflicting classifications of pathogenicity. Review status: criteria provided, conflicting classifications (1 of 4 stars). 2 submissions from 2 submitters: Likely pathogenic (1); Uncertain significance (1). Last evaluated 2022-09-26.

Conditions:
Hereditary cancer-predisposing syndrome. Also called: Neoplastic Syndromes, Hereditary; Tumor predisposition; Hereditary Cancer Syndrome; Hereditary neoplastic syndrome. Identifiers: Orphanet 140162, MedGen C0027672, MeSH D009386, MONDO:0015356.
Cardiovascular phenotype. Identifiers: MedGen CN230736.
LZTR1-related schwannomatosis. Also called: Schwannomatosis 2; Schwannomatosis-2, susceptibility to. Identifiers: Orphanet 93921, MedGen C3810283, MONDO:0014299, OMIM 615670.

Submissions (2):

Baylor Genetics
Classification: Likely pathogenic for LZTR1-related schwannomatosis. Last evaluated: 2022-09-26. Review status: criteria provided, single submitter. Criteria: ACMG Guidelines, 2015. Collection method: clinical testing. Allele origin: unknown.

Ambry Genetics
Classification: Uncertain significance for Cardiovascular phenotype; Hereditary cancer-predisposing syndrome. Last evaluated: 2022-08-16. Review status: criteria provided, single submitter. Criteria: Ambry Variant Classification Scheme 2023. Collection method: clinical testing. Allele origin: germline.
Comment: The c.201-1G>A intronic variant results from a G to A substitution one nucleotide upstream from coding exon 2 of the LZTR1 gene. Alterations that disrupt the canonical splice site are expected to result in aberrant splicing. In silico splice site analysis predicts that this alteration will weaken the native splice acceptor site, and RNA studies have demonstrated that this alteration results in abnormal splicing in the set of samples tested (Ambry internal data). However, the resulting transcript is predicted to be in-frame and is not expected to trigger nonsense-mediated mRNAdecay, and the exact functional effect of the altered amino acid sequence is unknown. This nucleotide position is highly conserved in available vertebrate species. Since supporting evidence is limited at this time, the clinical significance of this alteration remains unclear.

NM_006767.4(LZTR1):c.201-1G>A

Gene: LZTR1 (leucine zipper like post translational regulator 1; plus strand). Cytogenetic location: 22q11.21.
Variant type: single nucleotide variant.
Coding change: c.201-1G>A on transcript NM_006767.4 (MANE Select); the canonical splice acceptor site of the intron before coding-DNA position 201, G replaced by A.
Molecular consequence: splice acceptor variant.
Genome position (GRCh38, 1-based): chr22:20,983,026, G>A. VCF-style: chr22-20983026-G-A. GRCh37 (hg19) VCF-style: chr22-21337315-G-A.
Identifiers: ClinVar variation 1784429 (VCV001784429.4), dbSNP rs2518608539, ClinGen allele CA410778239.